The following is an entry in ClinVar:

NM_004393.6(DAG1):c.1130T>C (p.Ile377Thr)

Gene: DAG1 (dystroglycan 1; plus strand). Cytogenetic location: 3p21.31.
Variant type: single nucleotide variant.
Coding change: c.1130T>C on transcript NM_004393.6 (MANE Select); coding-DNA position 1130, T replaced by C.
Protein change: p.Ile377Thr; replaces isoleucine 377 with threonine.
Molecular consequence: missense variant.
Genome position (GRCh38, 1-based): chr3:49,531,641, T>C. VCF-style: chr3-49531641-T-C. GRCh37 (hg19) VCF-style: chr3-49569074-T-C.
Other names: c.1130T>C, p.Ile377Thr (NM_001165928.4, NM_001177634.3, NM_001177635.3 and 9 more transcripts); short protein forms I377T.
Identifiers: ClinVar variation 1381477 (VCV001381477.5), dbSNP rs772614314, ClinGen allele CA2399019.

ClinVar aggregate classification (germline): Uncertain significance (1 of 4 stars; one submission).

Conditions:
Autosomal recessive limb-girdle muscular dystrophy type 2P. Also called: Limb-Girdle Muscular Dystrophy Type 9C; MUSCULAR DYSTROPHY, LIMB-GIRDLE, TYPE 2P; MUSCULAR DYSTROPHY-DYSTROGLYCANOPATHY, LIMB-GIRDLE, DAG1-RELATED. Identifiers: Orphanet 280333, MedGen C4511963, MONDO:0013440, OMIM 613818.
Muscular dystrophy-dystroglycanopathy (congenital with brain and eye anomalies), type A9. Also called: WALKER-WARBURG SYNDROME OR MUSCLE-EYE BRAIN DISEASE, DAG1-RELATED; Muscular dystrophy-dystroglycanopathy (congenital with brain and eye anomalies), type a, 9. Identifiers: Orphanet 370997, Orphanet 899, MedGen C4225291, MONDO:0014683, OMIM 616538.

Allele frequency attached by ClinVar (database versions not stated): TOPMed below 0.00001; gnomAD 0.00001; gnomAD exomes 0.00001; ExAC 0.00002.
gnomAD v4.1: 12 of 1,612,794 alleles (0.00074%); highest among the groups gnomAD compares: South Asian, 0.012%; no homozygotes.

Submission:

Labcorp Genetics (formerly Invitae), Labcorp
Classification: Uncertain significance for Autosomal recessive limb-girdle muscular dystrophy type 2P; Muscular dystrophy-dystroglycanopathy (congenital with brain and eye anomalies), type A9. Last evaluated: 2021-12-02. Review status: criteria provided, single submitter. Criteria: Invitae Variant Classification Sherloc (09022015). Collection method: clinical testing. Allele origin: germline.
Comment: This sequence change replaces isoleucine, which is neutral and non-polar, with threonine, which is neutral and polar, at codon 377 of the DAG1 protein (p.Ile377Thr). This variant is present in population databases (rs772614314, gnomAD 0.006%). This variant has not been reported in the literature in individuals affected with DAG1-related conditions. Algorithms developed to predict the effect of missense changes on protein structure and function (SIFT, PolyPhen-2, Align-GVGD) all suggest that this variant is likely to be tolerated. In summary, the available evidence is currently insufficient to determine the role of this variant in disease. Therefore, it has been classified as a Variant of Uncertain Significance.